The following is an entry in ClinVar:

ClinVar aggregate classification (germline): Uncertain significance (1 of 4 stars; one submission).

Submission:

Labcorp Genetics (formerly Invitae), Labcorp
Classification: Uncertain significance. Last evaluated: 2023-10-22. Review status: criteria provided, single submitter. Criteria: Invitae Variant Classification Sherloc (09022015). Collection method: clinical testing. Allele origin: germline.
Comment: This variant, c.522_524del, results in the deletion of 1 amino acid(s) of the APPL1 protein (p.Gln174del), but otherwise preserves the integrity of the reading frame. This variant is not present in population databases (gnomAD no frequency). This variant has not been reported in the literature in individuals affected with APPL1-related conditions. Experimental studies and prediction algorithms are not available or were not evaluated, and the functional significance of this variant is currently unknown. In summary, the available evidence is currently insufficient to determine the role of this variant in disease. Therefore, it has been classified as a Variant of Uncertain Significance.

NM_012096.3(APPL1):c.519ACA[1] (p.Gln174del)

Gene: APPL1 (adaptor protein, phosphotyrosine interacting with PH domain and leucine zipper 1; plus strand). Cytogenetic location: 3p14.3.
Variant type: Microsatellite.
Coding change: c.519ACA[1] on transcript NM_012096.3 (MANE Select); one copy of the 3-base unit ACA starting at c.519; the reference has two copies in a row; one copy, 3 bases deleted.
Protein change: p.Gln174del; deletes glutamine 174.
Molecular consequence: inframe deletion.
Genome position (GRCh38, 1-based): chr3:57,246,123-57,246,125, ACA deleted; deleting any 3 consecutive bases within chr3:57,246,119-57,246,125 gives the same sequence; the position shown is the placement nearest the transcript's 3' end. VCF-style (leftmost placement, unchanged base first): chr3-57246118-AAAC-A. GRCh37 (hg19) VCF-style: chr3-57280146-AAAC-A.
Other names: short protein forms Q174del.
Identifiers: ClinVar variation 2770651 (VCV002770651.3), dbSNP rs2528777754, ClinGen allele CA2697556747.
Genomic context (GRCh38, chr3:57,246,118, plus strand): 5'-AAATCTTTTCATTCAAAGGTGAAGTATGAAGTAACAGAAGATGTGTACACATCCAGAAAG[AAAC>A]AACACCAGACCATGATGCATTATTTTTGTGCATTAAATACTCTTCAGTACAAGAAGAAAA-3'